The following is an entry in ClinVar:

ClinVar aggregate classification (germline): Conflicting classifications of pathogenicity. Review status: criteria provided, conflicting classifications (1 of 4 stars). 3 submissions from 3 submitters: Uncertain significance (2); Likely benign (1). Last evaluated 2022-10-04.

Conditions:
Cardiomyopathy (CMYO). Also called: Cardiomyopathies. Identifiers: Orphanet 167848, MedGen C0878544, MONDO:0004994, HP:0001638. Inheritance: Various modes of inheritance.
Cardiovascular phenotype. Identifiers: MedGen CN230736.

Allele frequency attached by ClinVar (database versions not stated): ExAC 0.00002; ESP Exome Variant Server 0.00008; TOPMed 0.00009; gnomAD 0.00017.
gnomAD v4.1: 60 of 1,613,072 alleles (0.0037%); highest among the groups gnomAD compares: Admixed American, 0.038%; no homozygotes.

Submissions (3):

CHEO Genetics Diagnostic Laboratory, Children's Hospital of Eastern Ontario
Classification: Likely benign for Cardiomyopathy. Last evaluated: 2022-10-04. Review status: criteria provided, single submitter. Criteria: ACMG Guidelines, 2015. Collection method: clinical testing. Allele origin: germline.

Revvity Omics, Revvity
Classification: Uncertain significance. Last evaluated: 2020-08-27. Review status: criteria provided, single submitter. Criteria: ACMG Guidelines, 2015. Collection method: clinical testing. Allele origin: germline.

Ambry Genetics
Classification: Uncertain significance for Cardiovascular phenotype. Last evaluated: 2019-03-12. Review status: criteria provided, single submitter. Criteria: Ambry Variant Classification Scheme 2023. Collection method: clinical testing. Allele origin: germline.
Comment: The p.A15278T variant (also known as c.45832G>A), located in coding exon 153 of the TTN gene, results from a G to A substitution at nucleotide position 45832. The alanine at codon 15278 is replaced by threonine, an amino acid with similar properties. This variant (reported as p.A24343T, c.73027G>A) was detected in a dilated cardiomyopathy cohort, in an individual who also had a second TTN variant (Begay RL et al. J Am Heart Assoc. 2015 Nov;4(11)). This amino acid position is well conserved in available vertebrate species; however, threonine is the reference amino acid in other vertebrate species. In addition, this alteration is predicted to be tolerated by in silico analysis. Since supporting evidence is limited at this time, the clinical significance of this alteration remains unclear.

Literature cited by the submitters: PubMed 26567375 (cited by Ambry Genetics).

NM_001267550.2(TTN):c.73027G>A (p.Ala24343Thr)

Genes: TTN (titin; minus strand), TTN-AS1 (TTN antisense RNA 1; plus strand). Cytogenetic location: 2q31.2.
Variant type: single nucleotide variant.
Coding change: c.73027G>A on transcript NM_001267550.2 (MANE Select); coding-DNA position 73027, G replaced by A.
Protein change: p.Ala24343Thr; replaces alanine 24343 with threonine.
Molecular consequence: missense variant.
Genome position (GRCh38, 1-based): chr2:178,573,105, C>T on the plus strand (G>A on the coding strand, the complement: TTN is on the minus strand). VCF-style: chr2-178573105-C-T. GRCh37 (hg19) VCF-style: chr2-179437832-C-T.
Other names: c.68104G>A, p.Ala22702Thr (NM_001256850.1); c.45832G>A, p.Ala15278Thr (NM_003319.4); c.65323G>A, p.Ala21775Thr (NM_133378.4); c.46207G>A, p.Ala15403Thr (NM_133432.3); c.46408G>A, p.Ala15470Thr (NM_133437.4); short protein forms A15470T, A22702T, A15278T, A21775T, A15403T, A24343T.
Identifiers: ClinVar variation 1741654 (VCV001741654.5), dbSNP rs72646895, ClinGen allele CA1990424.
Genomic context (GRCh38, chr2:178,573,105, plus strand): 5'-CAATCTCAACCATATACCCAGTGATTTCTGAACCACCATCATAGATAGGTTTATTCCAAG[C>T]GATTGAAATGGATGATCTGCTTGTATCCAGAACACGTGGGTTACCTGGTGGTCCAGGTTT-3'
Protein context (NP_001254479.2, residues 24333-24353): LDTSRSSISI[Ala24343Thr]WNKPIYDGGS